The following is an entry in ClinVar:

ClinVar aggregate classification (germline): Likely benign. Review status: criteria provided, multiple submitters, no conflicts (2 of 4 stars). 2 submissions from 2 submitters: Likely benign (2). Last evaluated 2025-04-09.

Submissions (2):

Mayo Clinic Laboratories, Mayo Clinic
Classification: Likely benign. Last evaluated: 2025-04-09. Review status: criteria provided, single submitter. Criteria: ACMG Guidelines, 2015. Collection method: clinical testing. Allele origin: germline. Observed: 4 variant alleles.
Comment: BP4, BP7

Blueprint Genetics
Classification: Likely benign. Last evaluated: 2024-11-04. Review status: criteria provided, single submitter. Criteria: ACMG Guidelines, 2015. Collection method: clinical testing. Allele origin: germline.

NM_015378.4(VPS13D):c.6650+21_6650+22dup

Gene: VPS13D (vacuolar protein sorting 13 homolog D; plus strand). Cytogenetic location: 1p36.22.
Variant type: Duplication.
Coding change: c.6650+21_6650+22dup on transcript NM_015378.4 (MANE Select); bases 21 to 22 of the intron after coding-DNA position 6650, 2 bases duplicated (TT; older notation c.6650+21_6650+22dupTT).
Molecular consequence: intron variant.
Genome position (GRCh38, 1-based): chr1:12,308,662-12,308,663, TT duplicated; duplicating any 2 consecutive bases within chr1:12,308,649-12,308,663 gives the same sequence; the c. name uses the placement nearest the transcript's 3' end. VCF-style (leftmost placement, unchanged base first): chr1-12308648-G-GTT. GRCh37 (hg19) VCF-style: chr1-12368705-G-GTT.
Other names: p.?; c.6650+21_6650+22dup (NM_018156.4).
Identifiers: ClinVar variation 4684632 (VCV004684632.2).
Genomic context (GRCh38, chr1:12,308,648, plus strand): 5'-CCTCTTAACCGAGCCTTGTAGGCTGAAATTGCAGGTGGAAAGGAATTTGGACAAGTGAGT[G>GTT]TTTTTTTTTTTTTTTGAGATGGAGTCTCGCTCTGTTCACCAGGCAGGGTGGAGTGCAGTG-3'